The following is an entry in ClinVar:

ClinVar aggregate classification (germline): Uncertain significance (1 of 4 stars; one submission).

Allele frequency attached by ClinVar (database versions not stated): gnomAD exomes 0.00001; TOPMed 0.00001.
gnomAD v4.1: 15 of 1,613,912 alleles (0.00093%); highest among the groups gnomAD compares: Non-Finnish European, 0.0013%; no homozygotes.

Submission:

Labcorp Genetics (formerly Invitae), Labcorp
Classification: Uncertain significance. Last evaluated: 2024-09-29. Review status: criteria provided, single submitter. Criteria: Invitae Variant Classification Sherloc (09022015). Collection method: clinical testing. Allele origin: germline.
Comment: This sequence change replaces isoleucine, which is neutral and non-polar, with methionine, which is neutral and non-polar, at codon 274 of the PLAA protein (p.Ile274Met). This variant is not present in population databases (gnomAD no frequency). This variant has not been reported in the literature in individuals affected with PLAA-related conditions. ClinVar contains an entry for this variant (Variation ID: 1512746). Invitae Evidence Modeling of protein sequence and biophysical properties (such as structural, functional, and spatial information, amino acid conservation, physicochemical variation, residue mobility, and thermodynamic stability) indicates that this missense variant is expected to disrupt PLAA protein function with a positive predictive value of 80%. In summary, the available evidence is currently insufficient to determine the role of this variant in disease. Therefore, it has been classified as a Variant of Uncertain Significance.

NM_001031689.3(PLAA):c.822A>G (p.Ile274Met)

Gene: PLAA (phospholipase A2 activating protein; minus strand). Cytogenetic location: 9p21.2.
Variant type: single nucleotide variant.
Coding change: c.822A>G on transcript NM_001031689.3 (MANE Select); coding-DNA position 822, A replaced by G.
Protein change: p.Ile274Met; replaces isoleucine 274 with methionine.
Molecular consequence: missense variant.
Genome position (GRCh38, 1-based): chr9:26,925,872, T>C on the plus strand (A>G on the coding strand, the complement: PLAA is on the minus strand). VCF-style: chr9-26925872-T-C. GRCh37 (hg19) VCF-style: chr9-26925870-T-C.
Other names: c.822A>G, p.Ile274Met (NM_001321546.2); short protein forms I274M.
Identifiers: ClinVar variation 1512746 (VCV001512746.4), dbSNP rs1287826390, ClinGen allele CA373133222.
Genomic context (GRCh38, chr9:26,925,872, plus strand): 5'-AGAATATAAATACCTCGCACCAACCACAATGTCACCATTGTCGAGCACACAGCAGCACCA[T>C]ATAGACTGAGCTGGAAGTCGGATAGTTTGAGCACATTCCCCATGTTTCCAGATTCTCAGA-3'
Protein context (NP_001026859.1, residues 264-284): AQTIRLPAQS[Ile274Met]WCCCVLDNGD